The following is an entry in ClinVar:

NM_001040142.2(SCN2A):c.1316C>T (p.Ala439Val)

Gene: SCN2A (sodium voltage-gated channel alpha subunit 2; plus strand). Cytogenetic location: 2q24.3.
Variant type: single nucleotide variant.
Coding change: c.1316C>T on transcript NM_001040142.2 (MANE Select); coding-DNA position 1316, C replaced by T.
Protein change: p.Ala439Val; replaces alanine 439 with valine.
Molecular consequence: missense variant.
Genome position (GRCh38, 1-based): chr2:165,314,041, C>T. VCF-style: chr2-165314041-C-T. GRCh37 (hg19) VCF-style: chr2-166170551-C-T.
Other names: c.1316C>T, p.Ala439Val (NM_001040143.2, NM_001371246.1, NM_001371247.1 and 1 more transcripts); short protein forms A439V.
Identifiers: ClinVar variation 3753079 (VCV003753079.2).

ClinVar aggregate classification (germline): Uncertain significance (1 of 4 stars; one submission).

Conditions:
Developmental and epileptic encephalopathy, 11 (DEE11). Also called: Early infantile epileptic encephalopathy 11. Identifiers: Orphanet 1934, MedGen C3150987, MONDO:0013388, OMIM 613721.
Seizures, benign familial infantile, 3 (BFIS3). Also called: CONVULSIONS, BENIGN FAMILIAL INFANTILE, 3; Familial neonatal seizures. Identifiers: Orphanet 140927, Orphanet 306, MedGen C1843140, MONDO:0011904, OMIM 607745.

Submission:

Labcorp Genetics (formerly Invitae), Labcorp
Classification: Uncertain significance for Seizures, benign familial infantile, 3; Developmental and epileptic encephalopathy, 11. Last evaluated: 2025-01-23. Review status: criteria provided, single submitter. Criteria: Invitae Variant Classification Sherloc (09022015). Collection method: clinical testing. Allele origin: germline.
Comment: This sequence change replaces alanine, which is neutral and non-polar, with valine, which is neutral and non-polar, at codon 439 of the SCN2A protein (p.Ala439Val). This variant is not present in population databases (gnomAD no frequency). This variant has not been reported in the literature in individuals affected with SCN2A-related conditions. Invitae Evidence Modeling of protein sequence and biophysical properties (such as structural, functional, and spatial information, amino acid conservation, physicochemical variation, residue mobility, and thermodynamic stability) indicates that this missense variant is expected to disrupt SCN2A protein function with a positive predictive value of 95%. In summary, the available evidence is currently insufficient to determine the role of this variant in disease. Therefore, it has been classified as a Variant of Uncertain Significance.